The following is an entry in ClinVar:

NM_207346.3(TSEN54):c.367T>A (p.Cys123Ser)

Gene: TSEN54 (tRNA splicing endonuclease subunit 54; plus strand). Cytogenetic location: 17q25.1.
Variant type: single nucleotide variant.
Coding change: c.367T>A on transcript NM_207346.3 (MANE Select); coding-DNA position 367, T replaced by A.
Protein change: p.Cys123Ser; replaces cysteine 123 with serine.
Molecular consequence: missense variant.
Genome position (GRCh38, 1-based): chr17:75,517,242, T>A. VCF-style: chr17-75517242-T-A. GRCh37 (hg19) VCF-style: chr17-73513323-T-A.
Other names: short protein forms C123S.
Identifiers: ClinVar variation 889593 (VCV000889593.5), dbSNP rs1484028244, ClinGen allele CA401027585.

ClinVar aggregate classification (germline): Uncertain significance. Review status: criteria provided, multiple submitters, no conflicts (2 of 4 stars). 2 submissions from 2 submitters: Uncertain significance (2). Last evaluated 2022-09-14.

Conditions:
Pontoneocerebellar hypoplasia. Also called: Pontocerebellar hypoplasia; Non-syndromic pontocerebellar hypoplasia. Identifiers: Orphanet 98523, MedGen C1261175, MONDO:0020135.

Allele frequency attached by ClinVar (database versions not stated): gnomAD exomes below 0.00001; gnomAD 0.00001; TOPMed 0.00001.
gnomAD v4.1: 4 of 1,594,858 alleles (0.00025%); highest among the groups gnomAD compares: African/African-American, 0.0013%; no homozygotes.

Submissions (2):

Labcorp Genetics (formerly Invitae), Labcorp
Classification: Uncertain significance. Last evaluated: 2022-09-14. Review status: criteria provided, single submitter. Criteria: Invitae Variant Classification Sherloc (09022015). Collection method: clinical testing. Allele origin: germline.
Comment: This sequence change replaces cysteine, which is neutral and slightly polar, with serine, which is neutral and polar, at codon 123 of the TSEN54 protein (p.Cys123Ser). This variant is not present in population databases (gnomAD no frequency). This variant has not been reported in the literature in individuals affected with TSEN54-related conditions. ClinVar contains an entry for this variant (Variation ID: 889593). Algorithms developed to predict the effect of missense changes on protein structure and function are either unavailable or do not agree on the potential impact of this missense change (SIFT: "Deleterious"; PolyPhen-2: "Probably Damaging"; Align-GVGD: "Class C0"). In summary, the available evidence is currently insufficient to determine the role of this variant in disease. Therefore, it has been classified as a Variant of Uncertain Significance.

Illumina Laboratory Services, Illumina
Classification: Uncertain significance for Pontoneocerebellar hypoplasia. Last evaluated: 2018-01-13. Review status: criteria provided, single submitter. Criteria: ICSL Variant Classification Criteria 13 December 2019. Collection method: clinical testing. Allele origin: germline.